The following is an entry in ClinVar:

NM_004646.4(NPHS1):c.1931-16G>A

Gene: NPHS1 (NPHS1 adhesion molecule, nephrin; minus strand). Cytogenetic location: 19q13.12.
Variant type: single nucleotide variant.
Coding change: c.1931-16G>A on transcript NM_004646.4 (MANE Select); 16 bases into the intron before coding-DNA position 1931, G replaced by A.
Molecular consequence: intron variant.
Genome position (GRCh38, 1-based): chr19:35,844,475, C>T on the plus strand (G>A on the coding strand, the complement: NPHS1 is on the minus strand). VCF-style: chr19-35844475-C-T. GRCh37 (hg19) VCF-style: chr19-36335377-C-T.
Identifiers: ClinVar variation 1526200 (VCV001526200.2), dbSNP rs1392236567, ClinGen allele CA632776611.

ClinVar aggregate classification (germline): Uncertain significance. Review status: criteria provided, multiple submitters, no conflicts (2 of 4 stars). 2 submissions from 2 submitters: Uncertain significance (2). Last evaluated 2022-03-22.

Conditions:
Finnish congenital nephrotic syndrome (NPHS1). Also called: NEPHROTIC SYNDROME, TYPE 1. Identifiers: Orphanet 839, MedGen C0403399, MONDO:0009732, OMIM 256300.

Allele frequency attached by ClinVar (database versions not stated): gnomAD exomes below 0.00001.
gnomAD v4.1: 1 of 1,554,082 alleles (0.000064%); highest among the groups gnomAD compares: Non-Finnish European, 0.000087%; no homozygotes.

Submissions (2):

3billion
Classification: Uncertain significance for Finnish congenital nephrotic syndrome. Last evaluated: 2022-03-22. Review status: criteria provided, single submitter. Criteria: ACMG Guidelines, 2015. Collection method: clinical testing. Allele origin: germline. Affected: yes. Observed: 1 homozygote.
Comment: The variant is not observed in the gnomAD v2.1.1 dataset. In silico tools predict the variant to alter splicing and produce an abnormal transcript (SPLICEAI: 0.98>=0.8). Therefore, this variant is classified as uncertain significance according to the recommendation of ACMG/AMP guideline.

Fulgent Genetics
Classification: Uncertain significance for Finnish congenital nephrotic syndrome. Last evaluated: 2022-03-07. Review status: criteria provided, single submitter. Criteria: ACMG Guidelines, 2015. Collection method: clinical testing. Allele origin: unknown.